The following is an entry in ClinVar:

ClinVar aggregate classification (germline): Uncertain significance (1 of 4 stars; one submission).

Allele frequency attached by ClinVar (database versions not stated): gnomAD exomes below 0.00001.
gnomAD v4.1: 1 of 1,609,232 alleles (0.000062%); highest among the groups gnomAD compares: Admixed American, 0.0017%; no homozygotes.

Submission:

GeneDx
Classification: Uncertain significance. Last evaluated: 2023-03-30. Review status: criteria provided, single submitter. Criteria: GeneDx Variant Classification Process June 2021. Collection method: clinical testing. Allele origin: germline. Affected: yes.
Comment: Not observed at significant frequency in large population cohorts (gnomAD); In silico analysis supports that this missense variant has a deleterious effect on protein structure/function; Has not been previously published as pathogenic or benign to our knowledge

NM_001005388.3(NFASC):c.214A>G (p.Ser72Gly)

Gene: NFASC (neurofascin; plus strand). Cytogenetic location: 1q32.1.
Variant type: single nucleotide variant.
Coding change: c.214A>G on transcript NM_001005388.3 (MANE Select); coding-DNA position 214, A replaced by G.
Protein change: p.Ser72Gly; replaces serine 72 with glycine.
Molecular consequence: missense variant. On other transcripts: non-coding transcript variant (1).
Genome position (GRCh38, 1-based): chr1:204,952,115, A>G. VCF-style: chr1-204952115-A-G. GRCh37 (hg19) VCF-style: chr1-204921243-A-G.
Other names: c.214A>G, p.Ser72Gly (NM_001005389.2, NM_001378329.1); c.196A>G, p.Ser66Gly (NM_001160331.2, NM_001160332.2, NM_001160333.2 and 4 more transcripts); short protein forms S66G, S72G.
Identifiers: ClinVar variation 2582185 (VCV002582185.1), dbSNP rs1210572128, ClinGen allele CA344378369.